The following is an entry in ClinVar:

NM_002691.4(POLD1):c.1479C>G (p.Ile493Met)

Gene: POLD1 (DNA polymerase delta 1, catalytic subunit; plus strand). Cytogenetic location: 19q13.33.
Variant type: single nucleotide variant.
Coding change: c.1479C>G on transcript NM_002691.4 (MANE Select); coding-DNA position 1479, C replaced by G.
Protein change: p.Ile493Met; replaces isoleucine 493 with methionine.
Molecular consequence: missense variant. On other transcripts: non-coding transcript variant (1).
Genome position (GRCh38, 1-based): chr19:50,406,502, C>G. VCF-style: chr19-50406502-C-G. GRCh37 (hg19) VCF-style: chr19-50909759-C-G.
Other names: c.1479C>G, p.Ile493Met (NM_001256849.1, NM_001308632.1); short protein forms I493M.
Identifiers: ClinVar variation 3308311 (VCV003308311.1).

ClinVar aggregate classification (germline): Uncertain significance (1 of 4 stars; one submission).

Conditions:
Hereditary cancer-predisposing syndrome. Also called: Tumor predisposition; Hereditary Cancer Syndrome; Hereditary neoplastic syndrome; Neoplastic Syndromes, Hereditary. Identifiers: Orphanet 140162, MedGen C0027672, MeSH D009386, MONDO:0015356.

Submission:

Ambry Genetics
Classification: Uncertain significance for Hereditary cancer-predisposing syndrome. Last evaluated: 2024-06-16. Review status: criteria provided, single submitter. Criteria: Ambry Variant Classification Scheme 2023. Collection method: clinical testing. Allele origin: germline.
Comment: The p.I493M variant (also known as c.1479C>G), located in coding exon 11 of the POLD1 gene, results from a C to G substitution at nucleotide position 1479. The isoleucine at codon 493 is replaced by methionine, an amino acid with highly similar properties. This amino acid position is conserved. In addition, this alteration is predicted to be tolerated by in silico analysis. Based on the available evidence, the clinical significance of this variant remains unclear.